The following is an entry in ClinVar:

ClinVar aggregate classification (germline): Uncertain significance. Review status: criteria provided, multiple submitters, no conflicts (2 of 4 stars). 2 submissions from 2 submitters: Uncertain significance (2). Last evaluated 2025-12-10.

Conditions:
COL18A1-related disorder. Also called: COL18A1-related condition; COL18A1-related disorders.

Submissions (2):

PreventionGenetics, part of Exact Sciences
Classification: Uncertain significance for COL18A1-related condition. Last evaluated: 2025-12-10. Review status: criteria provided, single submitter. Criteria: ACMG Guidelines, 2015. Collection method: clinical testing. Allele origin: germline.
Comment: The COL18A1 c.724_725delTC variant is predicted to result in a frameshift and premature protein termination (p.Ser242Alafs*14). In the primary transcript of this gene, this variant is deep intronic (NM_001379500, c.107-11988_107-11987del). To our knowledge, this variant has not been reported in the literature. This variant is listed on 1 allele in the 'remaining individuals' population in the gnomAD database. At this time, the clinical significance of this variant is uncertain due to the absence of conclusive functional and genetic evidence.

GeneDx
Classification: Uncertain significance. Last evaluated: 2023-07-20. Review status: criteria provided, single submitter. Criteria: GeneDx Variant Classification Process June 2021. Collection method: clinical testing. Allele origin: germline. Affected: yes.
Comment: Reported using an alternate transcript of the gene; Frameshift variant predicted to result in protein truncation or nonsense mediated decay in a gene or region of a gene for which loss of function is not a well-established mechanism of disease; Not observed at significant frequency in large population cohorts (gnomAD); Has not been previously published as pathogenic or benign to our knowledge

NM_001379500.1(COL18A1):c.107-11988_107-11987del

Gene: COL18A1 (collagen type XVIII alpha 1 chain; plus strand). Cytogenetic location: 21q22.3.
Variant type: Microsatellite.
Coding change: c.107-11988_107-11987del on transcript NM_001379500.1 (MANE Select); 11988 bases into the intron before coding-DNA position 107 through 11987 bases into the intron before coding-DNA position 107, 2 bases deleted (TC; older notation c.107-11988_107-11987delTC).
Molecular consequence: intron variant. On other transcripts: frameshift variant (1).
Genome position (GRCh38, 1-based): chr21:45,456,254-45,456,255, TC deleted; deleting any 2 consecutive bases within chr21:45,456,251-45,456,255 gives the same sequence; the c. name uses the placement nearest the transcript's 3' end. VCF-style (leftmost placement, unchanged base first): chr21-45456250-ACT-A. GRCh37 (hg19) VCF-style: chr21-46876164-ACT-A.
Other names: c.724_725delTC (NM_130444.2); c.724_725del, p.Ser242fs (NM_130444.3); c.646+78_646+79del (NM_030582.4); short protein forms S242fs.
Identifiers: ClinVar variation 3361221 (VCV003361221.2).